The following is an entry in ClinVar:

NM_001375524.1(TRRAP):c.9757G>A (p.Val3253Ile)

Gene: TRRAP (transformation/transcription domain associated protein; plus strand). Cytogenetic location: 7q22.1.
Variant type: single nucleotide variant.
Coding change: c.9757G>A on transcript NM_001375524.1 (MANE Select); coding-DNA position 9757, G replaced by A.
Protein change: p.Val3253Ile; replaces valine 3253 with isoleucine.
Molecular consequence: missense variant.
Genome position (GRCh38, 1-based): chr7:98,992,137, G>A. VCF-style: chr7-98992137-G-A. GRCh37 (hg19) VCF-style: chr7-98589760-G-A.
Other names: c.9769G>A, p.Val3257Ile (NM_001244580.2); c.9682G>A, p.Val3228Ile (NM_003496.4); short protein forms V3228I, V3253I, V3257I.
Identifiers: ClinVar variation 3343231 (VCV003343231.2).

ClinVar aggregate classification (germline): Uncertain significance (1 of 4 stars; one submission).

Submission:

GeneDx
Classification: Uncertain significance. Last evaluated: 2026-05-23. Review status: criteria provided, single submitter. Criteria: GeneDx Variant Classification Process June 2021. Collection method: clinical testing. Allele origin: germline.
Comment: Not observed at significant frequency in large population cohorts (gnomAD); In silico analysis suggests that this missense variant does not alter protein structure/function; Has not been previously published as pathogenic or benign to our knowledge